The following is an entry in ClinVar:

NM_020297.4(ABCC9):c.4376T>G (p.Leu1459Arg)

Genes: ABCC9 (ATP binding cassette subfamily C member 9; minus strand), KCNJ8-AS1 (KCNJ8 antisense RNA 1; plus strand). Cytogenetic location: 12p12.1.
Variant type: single nucleotide variant.
Coding change: c.4376T>G on transcript NM_020297.4 (MANE Select); coding-DNA position 4376, T replaced by G.
Protein change: p.Leu1459Arg; replaces leucine 1459 with arginine.
Molecular consequence: missense variant.
Genome position (GRCh38, 1-based): chr12:21,807,419, A>C on the plus strand (T>G on the coding strand, the complement: ABCC9 is on the minus strand). VCF-style: chr12-21807419-A-C. GRCh37 (hg19) VCF-style: chr12-21960353-A-C.
Other names: c.4376T>G, p.Leu1459Arg (NM_001377273.1, NM_005691.4); c.3509T>G, p.Leu1170Arg (NM_001377274.1); short protein forms L1459R, L1170R.
Identifiers: ClinVar variation 2769391 (VCV002769391.3), dbSNP rs2540806290, ClinGen allele CA384131804.

ClinVar aggregate classification (germline): Uncertain significance (1 of 4 stars; one submission).

Conditions:
Dilated cardiomyopathy 1O (CMD1O). Also called: CARDIOMYOPATHY, DILATED, WITH VENTRICULAR TACHYCARDIA. Identifiers: Orphanet 154, MedGen C1837839, MONDO:0012062, OMIM 608569.

Submission:

Labcorp Genetics (formerly Invitae), Labcorp
Classification: Uncertain significance for Dilated cardiomyopathy 1O. Last evaluated: 2023-10-17. Review status: criteria provided, single submitter. Criteria: Invitae Variant Classification Sherloc (09022015). Collection method: clinical testing. Allele origin: germline.
Comment: This sequence change replaces leucine, which is neutral and non-polar, with arginine, which is basic and polar, at codon 1459 of the ABCC9 protein (p.Leu1459Arg). This variant is not present in population databases (gnomAD no frequency). This variant has not been reported in the literature in individuals affected with ABCC9-related conditions. Advanced modeling of protein sequence and biophysical properties (such as structural, functional, and spatial information, amino acid conservation, physicochemical variation, residue mobility, and thermodynamic stability) performed at Invitae indicates that this missense variant is expected to disrupt ABCC9 protein function. In summary, the available evidence is currently insufficient to determine the role of this variant in disease. Therefore, it has been classified as a Variant of Uncertain Significance.